The following is an entry in ClinVar:

NM_003072.5(SMARCA4):c.4918T>A (p.Ser1640Thr)

Gene: SMARCA4 (SWI/SNF related BAF chromatin remodeling complex subunit ATPase 4; plus strand). Cytogenetic location: 19p13.2.
Variant type: single nucleotide variant.
Coding change: c.4918T>A on transcript NM_003072.5 (MANE Select); coding-DNA position 4918, T replaced by A.
Protein change: p.Ser1640Thr; replaces serine 1640 with threonine.
Molecular consequence: missense variant. On other transcripts: non-coding transcript variant (1).
Genome position (GRCh38, 1-based): chr19:11,061,790, T>A. VCF-style: chr19-11061790-T-A. GRCh37 (hg19) VCF-style: chr19-11172466-T-A.
Other names: c.4918T>A, p.Ser1640Thr (NM_001128844.3); c.4828T>A, p.Ser1610Thr (NM_001128845.2); c.4825T>A, p.Ser1609Thr (NM_001128846.2); c.4819T>A, p.Ser1607Thr (NM_001128847.4, NM_001374457.1); c.4816T>A, p.Ser1606Thr (NM_001128848.2); c.5014T>A, p.Ser1672Thr (NM_001128849.3); short protein forms S1672T, S1607T, S1640T, S1606T, S1610T, S1609T.
Identifiers: ClinVar variation 953095 (VCV000953095.12), dbSNP rs1568570437, ClinGen allele CA404081814.
Genomic context (GRCh38, chr19:11,061,790, plus strand): 5'-GGTGCCCTGGCAGGGGTGGCCAACGCACACTCTCTCCTCCTGTCCCCTCTCCAGGACCGC[T>A]CAGGAAGTGGCAGCGAAGAAGACTGAGCCCCGACATTCCAGTCTCGACCCCGAGCCCCTC-3'
Protein context (NP_003063.2, residues 1630-1647): DSEEEQEEDR[Ser1640Thr]GSGSEED

ClinVar aggregate classification (germline): Uncertain significance. Review status: criteria provided, multiple submitters, no conflicts (2 of 4 stars). 2 submissions from 2 submitters: Uncertain significance (2). Last evaluated 2025-11-13.

Conditions:
Hereditary cancer-predisposing syndrome. Also called: Tumor predisposition; Hereditary neoplastic syndrome; Neoplastic Syndromes, Hereditary; Hereditary Cancer Syndrome. Identifiers: Orphanet 140162, MedGen C0027672, MeSH D009386, MONDO:0015356.
Rhabdoid tumor predisposition syndrome 2 (RTPS2). Identifiers: Orphanet 231108, Orphanet 69077, MedGen C2750074, MONDO:0013224, OMIM 613325.

Submissions (2):

Labcorp Genetics (formerly Invitae), Labcorp
Classification: Uncertain significance for Rhabdoid tumor predisposition syndrome 2. Last evaluated: 2025-11-13. Review status: criteria provided, single submitter. Criteria: Invitae Variant Classification Sherloc (09022015). Collection method: clinical testing. Allele origin: germline.
Comment: This sequence change replaces serine, which is neutral and polar, with threonine, which is neutral and polar, at codon 1672 of the SMARCA4 protein (p.Ser1672Thr). This variant is not present in population databases (gnomAD no frequency). This variant has not been reported in the literature in individuals affected with SMARCA4-related conditions. ClinVar contains an entry for this variant (Variation ID: 953095). Experimental studies and prediction algorithms are not available or were not evaluated, and the functional significance of this variant is currently unknown. In summary, the available evidence is currently insufficient to determine the role of this variant in disease. Therefore, it has been classified as a Variant of Uncertain Significance.

Ambry Genetics
Classification: Uncertain significance for Hereditary cancer-predisposing syndrome. Last evaluated: 2024-01-26. Review status: criteria provided, single submitter. Criteria: Ambry Variant Classification Scheme 2023. Collection method: clinical testing. Allele origin: germline.
Comment: The p.S1672T variant (also known as c.5014T>A), located in coding exon 35 of the SMARCA4 gene, results from a T to A substitution at nucleotide position 5014. The serine at codon 1672 is replaced by threonine, an amino acid with similar properties. This amino acid position is highly conserved in available vertebrate species. In addition, the in silico prediction for this alteration is inconclusive. Since supporting evidence is limited at this time, the clinical significance of this alteration remains unclear.